The following is an entry in ClinVar:

ClinVar aggregate classification (germline): Likely pathogenic (1 of 4 stars; one submission).

Conditions:
Epidermodysplasia verruciformis. Identifiers: Orphanet 302, MedGen C0014522, MONDO:0009176.

Allele frequency attached by ClinVar (database versions not stated): gnomAD exomes below 0.00001 and 0.00001; ExAC 0.00001; gnomAD 0.00001; TOPMed 0.00001.

Submission:

Labcorp Genetics (formerly Invitae), Labcorp
Classification: Likely pathogenic for Epidermodysplasia verruciformis. Last evaluated: 2019-11-12. Review status: criteria provided, single submitter. Criteria: Invitae Variant Classification Sherloc (09022015). Collection method: clinical testing. Allele origin: germline.
Comment: In summary, the currently available evidence indicates that the variant is pathogenic, but additional data are needed to prove that conclusively. Therefore, this variant has been classified as Likely Pathogenic. Donor and acceptor splice site variants typically lead to a loss of protein function (PMID: 16199547), and loss-of-function variants in TMC8 are known to be pathogenic (PMID: 12426567, 22158547). This variant has not been reported in the literature in individuals with TMC8-related conditions. This variant is present in population databases (rs761256523, ExAC 0.009%). This sequence change affects an acceptor splice site in intron 9 of the TMC8 gene. It is expected to disrupt RNA splicing and likely results in an absent or disrupted protein product.

Literature cited by the submitters: PubMed 16199547; PubMed 12426567; PubMed 22158547.

NM_152468.5(TMC8):c.1128-2A>G

Gene: TMC8 (transmembrane channel like 8; plus strand). Cytogenetic location: 17q25.3.
Variant type: single nucleotide variant.
Coding change: c.1128-2A>G on transcript NM_152468.5 (MANE Select); the canonical splice acceptor site of the intron before coding-DNA position 1128, A replaced by G.
Molecular consequence: splice acceptor variant.
Genome position (GRCh38, 1-based): chr17:78,137,233, A>G. VCF-style: chr17-78137233-A-G. GRCh37 (hg19) VCF-style: chr17-76133314-A-G.
Identifiers: ClinVar variation 962520 (VCV000962520.8), dbSNP rs761256523, ClinGen allele CA8796742.
Genomic context (GRCh38, chr17:78,137,233, plus strand): 5'-CTGGGTAGAGCCCGGTGCCCATGTGCCTGGGCCCCTCCACCTGACAAGGTCCCTGCCCCC[A>G]GGTGCGTGGTGCTGAAGCTGGCCAGCTTGGGGATGTTCTCCGTCTCCCTGGGTCAGACCA-3'